The following is an entry in ClinVar:

ClinVar aggregate classification (germline): Uncertain significance. Review status: criteria provided, multiple submitters, no conflicts (2 of 4 stars). 2 submissions from 2 submitters: Uncertain significance (2). Last evaluated 2025-08-27.

Conditions:
Familial adenomatous polyposis 2. Also called: FAP type 2; COLORECTAL ADENOMATOUS POLYPOSIS, AUTOSOMAL RECESSIVE; ADENOMAS, MULTIPLE COLORECTAL, AUTOSOMAL RECESSIVE; MYH-associated polyposis; Adenomas, multiple colorectal; MUTYH-associated polyposis. Identifiers: Orphanet 220460, Orphanet 247798, MedGen C3272841, MONDO:0012041, OMIM 608456.
Hereditary cancer-predisposing syndrome. Also called: Neoplastic Syndromes, Hereditary; Tumor predisposition; Hereditary Cancer Syndrome; Hereditary neoplastic syndrome. Identifiers: Orphanet 140162, MedGen C0027672, MeSH D009386, MONDO:0015356.

Submissions (2):

Ambry Genetics
Classification: Uncertain significance for Hereditary cancer-predisposing syndrome. Last evaluated: 2025-08-27. Review status: criteria provided, single submitter. Criteria: Ambry Variant Classification Scheme 2023. Collection method: clinical testing. Allele origin: germline.
Comment: The p.Q267K variant (also known as c.799C>A), located in coding exon 10 of the MUTYH gene, results from a C to A substitution at nucleotide position 799. The glutamine at codon 267 is replaced by lysine, an amino acid with similar properties. This amino acid position is conserved. In addition, the in silico prediction for this alteration is inconclusive. Based on the available evidence, the clinical significance of this variant remains unclear.

Labcorp Genetics (formerly Invitae), Labcorp
Classification: Uncertain significance for Familial adenomatous polyposis 2. Last evaluated: 2024-07-19. Review status: criteria provided, single submitter. Criteria: Invitae Variant Classification Sherloc (09022015). Collection method: clinical testing. Allele origin: germline.
Comment: This sequence change replaces glutamine, which is neutral and polar, with lysine, which is basic and polar, at codon 267 of the MUTYH protein (p.Gln267Lys). This variant is not present in population databases (gnomAD no frequency). This variant has not been reported in the literature in individuals affected with MUTYH-related conditions. An algorithm developed to predict the effect of missense changes on protein structure and function (PolyPhen-2) suggests that this variant is likely to be tolerated. In summary, the available evidence is currently insufficient to determine the role of this variant in disease. Therefore, it has been classified as a Variant of Uncertain Significance.

NM_001048174.2(MUTYH):c.715C>A (p.Gln239Lys)

Gene: MUTYH (mutY DNA glycosylase; minus strand). Cytogenetic location: 1p34.1.
Variant type: single nucleotide variant.
Coding change: c.715C>A on transcript NM_001048174.2 (MANE Select); coding-DNA position 715, C replaced by A.
Protein change: p.Gln239Lys; replaces glutamine 239 with lysine.
Molecular consequence: missense variant. On other transcripts: non-coding transcript variant (7).
Genome position (GRCh38, 1-based): chr1:45,332,300, G>T on the plus strand (C>A on the coding strand, the complement: MUTYH is on the minus strand). VCF-style: chr1-45332300-G-T. GRCh37 (hg19) VCF-style: chr1-45797972-G-T.
Other names: c.370C>A, p.Gln124Lys (NM_001350650.2, NM_001350651.2, NM_001407082.1); c.748C>A, p.Gln250Lys (NM_001407069.1, NM_001407077.1, NM_001293191.2); c.715C>A, p.Gln239Lys (NM_001407070.1, NM_001407072.1, NM_001407073.1 and 6 more transcripts); c.718C>A, p.Gln240Lys (NM_001407071.1, NM_001407086.1, NM_001048172.2 and 1 more transcripts); c.631C>A, p.Gln211Lys (NM_001407075.1); c.439C>A, p.Gln147Lys (NM_001407091.1, NM_001293192.2, NM_001293196.2); c.790C>A, p.Gln264Lys (NM_012222.3); c.757C>A, p.Gln253Lys (NM_001407085.1, NM_001407083.1); and 5 more; short protein forms Q246K, Q250K, Q254K, Q267K, Q124K, Q225K, Q240K, Q147K.
Identifiers: ClinVar variation 3659899 (VCV003659899.3).